The following is an entry in ClinVar:

NM_004525.3(LRP2):c.6947T>C (p.Ile2316Thr)

Gene: LRP2 (LDL receptor related protein 2; minus strand). Cytogenetic location: 2q31.1.
Variant type: single nucleotide variant.
Coding change: c.6947T>C on transcript NM_004525.3 (MANE Select); coding-DNA position 6947, T replaced by C.
Protein change: p.Ile2316Thr; replaces isoleucine 2316 with threonine.
Molecular consequence: missense variant.
Genome position (GRCh38, 1-based): chr2:169,206,773, A>G on the plus strand (T>C on the coding strand, the complement: LRP2 is on the minus strand). VCF-style: chr2-169206773-A-G. GRCh37 (hg19) VCF-style: chr2-170063283-A-G.
Other names: c.6947T>C (NM_004525.2); short protein forms I2316T.
Identifiers: ClinVar variation 1417888 (VCV001417888.9), dbSNP rs2105333343, ClinGen allele CA349171893.

ClinVar aggregate classification (germline): Uncertain significance. Review status: criteria provided, multiple submitters, no conflicts (2 of 4 stars). 3 submissions from 3 submitters: Uncertain significance (3). Last evaluated 2026-01-16.

Conditions:
Donnai-Barrow syndrome. Also called: DBS/FOAR SYNDROME; FACIOOCULOACOUSTICORENAL SYNDROME. Identifiers: Orphanet 2143, MedGen C1857277, MONDO:0009104, OMIM 222448.
LRP2-related disorder. Also called: LRP2-related condition.

Allele frequency attached by ClinVar (database versions not stated): gnomAD exomes below 0.00001.
gnomAD v4.1: 6 of 1,614,136 alleles (0.00037%); highest among the groups gnomAD compares: African/African-American, 0.0013%; no homozygotes.

Submissions (3):

PreventionGenetics, part of Exact Sciences
Classification: Uncertain significance for LRP2-related condition. Last evaluated: 2026-01-16. Review status: criteria provided, single submitter. Criteria: ACMG Guidelines, 2015. Collection method: clinical testing. Allele origin: germline.
Comment: The LRP2 c.6947T>C variant is predicted to result in the amino acid substitution p.Ile2316Thr. To our knowledge, this variant has not been reported in the literature or in a large population database (gnomAD), indicating this variant is rare. At this time, the clinical significance of this variant is uncertain due to the absence of conclusive functional and genetic evidence.

Labcorp Genetics (formerly Invitae), Labcorp
Classification: Uncertain significance. Last evaluated: 2024-10-11. Review status: criteria provided, single submitter. Criteria: Invitae Variant Classification Sherloc (09022015). Collection method: clinical testing. Allele origin: germline.
Comment: This sequence change replaces isoleucine, which is neutral and non-polar, with threonine, which is neutral and polar, at codon 2316 of the LRP2 protein (p.Ile2316Thr). This variant is not present in population databases (gnomAD no frequency). This variant has not been reported in the literature in individuals affected with LRP2-related conditions. ClinVar contains an entry for this variant (Variation ID: 1417888). Invitae Evidence Modeling of protein sequence and biophysical properties (such as structural, functional, and spatial information, amino acid conservation, physicochemical variation, residue mobility, and thermodynamic stability) indicates that this missense variant is expected to disrupt LRP2 protein function with a positive predictive value of 95%. In summary, the available evidence is currently insufficient to determine the role of this variant in disease. Therefore, it has been classified as a Variant of Uncertain Significance.

Fulgent Genetics
Classification: Uncertain significance for Donnai-Barrow syndrome. Last evaluated: 2024-04-25. Review status: criteria provided, single submitter. Criteria: ACMG Guidelines, 2015. Collection method: clinical testing. Allele origin: germline.